The following is an entry in ClinVar:

NM_000535.7(PMS2):c.1890G>T (p.Lys630Asn)

Gene: PMS2 (PMS1 homolog 2, mismatch repair system component; minus strand). Cytogenetic location: 7p22.1.
Variant type: single nucleotide variant.
Coding change: c.1890G>T on transcript NM_000535.7 (MANE Select); coding-DNA position 1890, G replaced by T.
Protein change: p.Lys630Asn; replaces lysine 630 with asparagine.
Molecular consequence: missense variant. On other transcripts: non-coding transcript variant (1).
Genome position (GRCh38, 1-based): chr7:5,986,875, C>A on the plus strand (G>T on the coding strand, the complement: PMS2 is on the minus strand). VCF-style: chr7-5986875-C-A. GRCh37 (hg19) VCF-style: chr7-6026506-C-A.
Other names: c.1485G>T, p.Lys495Asn (NM_001018040.1, NM_001322003.2, NM_001322004.2 and 17 more transcripts); c.1734G>T, p.Lys578Asn (NM_001322006.2, NM_001406870.1); c.1572G>T, p.Lys524Asn (NM_001322007.2, NM_001322008.2, NM_001406876.1 and 2 more transcripts); c.1329G>T, p.Lys443Asn (NM_001322010.2, NM_001406906.1, NM_001406907.1); c.957G>T, p.Lys319Asn (NM_001322011.2, NM_001322012.2); c.1317G>T, p.Lys439Asn (NM_001322013.2, NM_001406909.1); c.1890G>T, p.Lys630Asn (NM_001322014.2, NM_001406871.1, NM_001406872.1); c.1581G>T, p.Lys527Asn (NM_001322015.2, NM_001406875.1, NM_001406877.1 and 5 more transcripts); and 12 more; short protein forms K443N, K459N, K475N, K495N, K574N, K472N, K522N, K638N.
Identifiers: ClinVar variation 2104476 (VCV002104476.6), dbSNP rs1782948207, ClinGen allele CA366739404.

ClinVar aggregate classification (germline): Uncertain significance. Review status: criteria provided, multiple submitters, no conflicts (2 of 4 stars). 2 submissions from 2 submitters: Uncertain significance (2). Last evaluated 2023-04-28.

Conditions:
Hereditary nonpolyposis colorectal neoplasms. Identifiers: MedGen C0009405, MeSH D003123.
Hereditary cancer-predisposing syndrome. Also called: Hereditary Cancer Syndrome; Tumor predisposition; Neoplastic Syndromes, Hereditary; Hereditary neoplastic syndrome. Identifiers: Orphanet 140162, MedGen C0027672, MeSH D009386, MONDO:0015356.

Submissions (2):

Ambry Genetics
Classification: Uncertain significance for Hereditary cancer-predisposing syndrome. Last evaluated: 2023-04-28. Review status: criteria provided, single submitter. Criteria: Ambry Variant Classification Scheme 2023. Collection method: clinical testing. Allele origin: germline.
Comment: The p.K630N variant (also known as c.1890G>T), located in coding exon 11 of the PMS2 gene, results from a G to T substitution at nucleotide position 1890. The lysine at codon 630 is replaced by asparagine, an amino acid with similar properties. This amino acid position is conserved. In addition, this alteration is predicted to be tolerated by in silico analysis. Since supporting evidence is limited at this time, the clinical significance of this alteration remains unclear.

Labcorp Genetics (formerly Invitae), Labcorp
Classification: Uncertain significance for Hereditary nonpolyposis colorectal neoplasms. Last evaluated: 2022-02-28. Review status: criteria provided, single submitter. Criteria: Invitae Variant Classification Sherloc (09022015). Collection method: clinical testing. Allele origin: germline.
Comment: In summary, the available evidence is currently insufficient to determine the role of this variant in disease. Therefore, it has been classified as a Variant of Uncertain Significance. Advanced modeling of protein sequence and biophysical properties (such as structural, functional, and spatial information, amino acid conservation, physicochemical variation, residue mobility, and thermodynamic stability) performed at Invitae indicates that this missense variant is not expected to disrupt PMS2 protein function. This variant has not been reported in the literature in individuals affected with PMS2-related conditions. This variant is not present in population databases (gnomAD no frequency). This sequence change replaces lysine, which is basic and polar, with asparagine, which is neutral and polar, at codon 630 of the PMS2 protein (p.Lys630Asn).